The following is an entry in ClinVar:

ClinVar aggregate classification (germline): Likely benign (1 of 4 stars; one submission).

Submission:

CeGaT Center for Human Genetics Tuebingen
Classification: Likely benign. Last evaluated: 2023-04-01. Review status: criteria provided, single submitter. Criteria: CeGaT Center For Human Genetics Tuebingen Variant Classification Criteria Version 2. Collection method: clinical testing. Allele origin: germline. Affected: yes. Observed: 1 variant allele.
Comment: GBE1: PM2:Supporting, BP4, BP7

NM_000158.4(GBE1):c.1794A>T (p.Ala598=)

Gene: GBE1 (1,4-alpha-glucan branching enzyme 1; minus strand). Cytogenetic location: 3p12.2.
Variant type: single nucleotide variant.
Coding change: c.1794A>T on transcript NM_000158.4 (MANE Select); coding-DNA position 1794, A replaced by T.
Protein change: p.Ala598=; no amino-acid change (alanine 598 retained).
Molecular consequence: synonymous variant.
Genome position (GRCh38, 1-based): chr3:81,536,920, T>A on the plus strand (A>T on the coding strand, the complement: GBE1 is on the minus strand). VCF-style: chr3-81536920-T-A. GRCh37 (hg19) VCF-style: chr3-81586071-T-A.
Identifiers: ClinVar variation 2653984 (VCV002653984.24), dbSNP rs2471675208, ClinGen allele CA434495805.